The following is an entry in ClinVar:

NM_032590.5(KDM2B):c.127-11G>A

Gene: KDM2B (lysine demethylase 2B; minus strand). Cytogenetic location: 12q24.31.
Variant type: single nucleotide variant.
Coding change: c.127-11G>A on transcript NM_032590.5 (MANE Select); 11 bases into the intron before coding-DNA position 127, G replaced by A.
Molecular consequence: intron variant.
Genome position (GRCh38, 1-based): chr12:121,578,957, C>T on the plus strand (G>A on the coding strand, the complement: KDM2B is on the minus strand). VCF-style: chr12-121578957-C-T. GRCh37 (hg19) VCF-style: chr12-122016862-C-T.
Other names: c.34-11G>A (NM_001005366.2).
Identifiers: ClinVar variation 3360328 (VCV003360328.1).
Genomic context (GRCh38, chr12:121,578,957, plus strand): 5'-ACGTCCGACAAGTCCTCGTTCTCGTCGTATCGCTGGCGGTCAATCGGGCGCTGCGAGGAC[C>T]CAAACCAGAGAGCCCGGGACATTATTGTGGGGGCTGGAGGTCGCCTCTCAACCTGGGCCC-3'

ClinVar aggregate classification (germline): Uncertain significance (1 of 4 stars; one submission).

Submission:

GeneDx
Classification: Uncertain significance. Last evaluated: 2023-06-27. Review status: criteria provided, single submitter. Criteria: GeneDx Variant Classification Process June 2021. Collection method: clinical testing. Allele origin: germline. Affected: yes.
Comment: Not observed at significant frequency in large population cohorts (gnomAD); In silico analysis supports a deleterious effect on splicing; Has not been previously published as pathogenic or benign to our knowledge